The following is an entry in ClinVar:

ClinVar aggregate classification (germline): Uncertain significance (1 of 4 stars; one submission).

Conditions:
Perlman syndrome (PRLMNS). Identifiers: Orphanet 2849, MedGen C0796113, MONDO:0009965, OMIM 267000.

Submission:

Labcorp Genetics (formerly Invitae), Labcorp
Classification: Uncertain significance for Perlman syndrome. Last evaluated: 2022-12-03. Review status: criteria provided, single submitter. Criteria: Invitae Variant Classification Sherloc (09022015). Collection method: clinical testing. Allele origin: germline.
Comment: ClinVar contains an entry for this variant (Variation ID: 639159). In summary, the available evidence is currently insufficient to determine the role of this variant in disease. Therefore, it has been classified as a Variant of Uncertain Significance. Advanced modeling of protein sequence and biophysical properties (such as structural, functional, and spatial information, amino acid conservation, physicochemical variation, residue mobility, and thermodynamic stability) performed at Invitae indicates that this missense variant is not expected to disrupt DIS3L2 protein function. This variant has not been reported in the literature in individuals affected with DIS3L2-related conditions. This variant is not present in population databases (gnomAD no frequency). This sequence change replaces arginine, which is basic and polar, with lysine, which is basic and polar, at codon 277 of the DIS3L2 protein (p.Arg277Lys).

NM_152383.5(DIS3L2):c.830G>A (p.Arg277Lys)

Gene: DIS3L2 (DIS3 like 3'-5' exoribonuclease 2; plus strand). Cytogenetic location: 2q37.1.
Variant type: single nucleotide variant.
Coding change: c.830G>A on transcript NM_152383.5 (MANE Select); coding-DNA position 830, G replaced by A.
Protein change: p.Arg277Lys; replaces arginine 277 with lysine.
Molecular consequence: missense variant. On other transcripts: non-coding transcript variant (1).
Genome position (GRCh38, 1-based): chr2:232,136,599, G>A. VCF-style: chr2-232136599-G-A. GRCh37 (hg19) VCF-style: chr2-233001309-G-A.
Other names: c.830G>A, p.Arg277Lys (NM_001257281.2); short protein forms R277K.
Identifiers: ClinVar variation 639159 (VCV000639159.8), dbSNP rs1574902498, ClinGen allele CA351153680.